The following is an entry in ClinVar:

ClinVar aggregate classification (germline): Uncertain significance. Review status: criteria provided, multiple submitters, no conflicts (2 of 4 stars). 2 submissions from 2 submitters: Uncertain significance (2). Last evaluated 2025-05-06.

gnomAD v4.1: 114 of 1,613,868 alleles (0.0071%); highest among the groups gnomAD compares: Non-Finnish European, 0.0091%; no homozygotes.

Submissions (2):

Ambry Genetics
Classification: Uncertain significance. Last evaluated: 2025-05-06. Review status: criteria provided, single submitter. Criteria: Ambry Variant Classification Scheme 2023. Collection method: clinical testing. Allele origin: germline.

Athena Diagnostics
Classification: Uncertain significance. Last evaluated: 2024-09-18. Review status: criteria provided, single submitter. Criteria: Athena Diagnostics Criteria. Collection method: clinical testing. Allele origin: unknown.
Comment: Available data are insufficient to determine the clinical significance of the variant at this time. The frequency of this variant in the general population is uninformative in assessment of its pathogenicity. Polyphen and MutationTaster predict this amino acid change may be damaging to the protein.

NM_001146262.4(SYT14):c.1229C>T (p.Ser410Phe)

Gene: SYT14 (synaptotagmin 14; plus strand). Cytogenetic location: 1q32.2.
Variant type: single nucleotide variant.
Coding change: c.1229C>T on transcript NM_001146262.4 (MANE Select); coding-DNA position 1229, C replaced by T.
Protein change: p.Ser410Phe; replaces serine 410 with phenylalanine.
Molecular consequence: missense variant. On other transcripts: non-coding transcript variant (1).
Genome position (GRCh38, 1-based): chr1:210,155,785, C>T. VCF-style: chr1-210155785-C-T. GRCh37 (hg19) VCF-style: chr1-210329130-C-T.
Other names: c.1364C>T, p.Ser455Phe (NM_001146261.4, NM_001146264.4); c.1115C>T, p.Ser372Phe (NM_001256006.3); c.2099C>T, p.Ser700Phe (NM_001397544.1, NM_001397545.1); c.1229C>T, p.Ser410Phe (NM_153262.5); short protein forms S455F, S372F, S700F, S410F.
Identifiers: ClinVar variation 3571852 (VCV003571852.2).
Genomic context (GRCh38, chr1:210,155,785, plus strand): 5'-GTGACTCCCAAATGAGCGTGTCAGAAATGTCGTGTAGTGAAAGTACATCCTCATGTCAGT[C>T]TCTTGAACATGGCTCAGTTCCAGAAATTCTTATTGGCCTGCTTTATAATGCCACAACTGG-3'
Protein context (NP_001139734.1, residues 400-420): SCSESTSSCQ[Ser410Phe]LEHGSVPEIL